The following is an entry in ClinVar:

ClinVar aggregate classification (germline): Likely benign (0 of 4 stars; one submission).

Conditions:
LIPT1-related disorder. Also called: LIPT1-related condition.

Allele frequency attached by ClinVar (database versions not stated): gnomAD exomes below 0.00001; gnomAD 0.00001; TOPMed 0.00001.
gnomAD v4.1: 3 of 1,596,054 alleles (0.00019%); highest among the groups gnomAD compares: African/African-American, 0.0027%; no homozygotes.

Submission:

PreventionGenetics, part of Exact Sciences
Classification: Likely benign for LIPT1-related condition. Last evaluated: 2019-08-06. Review status: no assertion criteria provided. Collection method: clinical testing. Allele origin: germline.
Comment: This variant is classified as likely benign based on ACMG/AMP sequence variant interpretation guidelines (Richards et al. 2015 PMID: 25741868, with internal and published modifications).

NM_145199.3(LIPT1):c.1074A>G (p.Leu358=)

Genes: LIPT1 (lipoyltransferase 1; plus strand), MITD1 (microtubule interacting and trafficking domain containing 1; minus strand). Cytogenetic location: 2q11.2.
Variant type: single nucleotide variant.
Coding change: c.1074A>G on transcript NM_145199.3 (MANE Select); coding-DNA position 1074, A replaced by G.
Protein change: p.Leu358=; no amino-acid change (leucine 358 retained).
Molecular consequence: synonymous variant. On other transcripts: non-coding transcript variant (2).
Genome position (GRCh38, 1-based): chr2:99,163,031, A>G. VCF-style: chr2-99163031-A-G. GRCh37 (hg19) VCF-style: chr2-99779494-A-G.
Other names: c.1074A>G, p.Leu358= (NM_001204830.2, NM_015929.4, NM_145197.3 and 1 more transcripts).
Identifiers: ClinVar variation 3034867 (VCV003034867.2), dbSNP rs1188277189, ClinGen allele CA427572453.
Genomic context (GRCh38, chr2:99,163,031, plus strand): 5'-AACTGAAACTACCATGCTAACAAATATATTACTTAGAACATGTCCACAAGACCACAAACT[A>G]AACAGTAAATGGAATATTCTCTGTGAAAAAATTAAGGGAATAATGTGATTCCAAGTAAAT-3'
Protein context (NP_660200.1, residues 348-368): LLRTCPQDHK[Leu358=]NSKWNILCEK